The following is an entry in ClinVar:

ClinVar aggregate classification (germline): Uncertain significance (1 of 4 stars; one submission).

Conditions:
Cardiovascular phenotype. Identifiers: MedGen CN230736.

Allele frequency attached by ClinVar (database versions not stated): TOPMed below 0.00001; gnomAD 0.00001.
gnomAD v4.1: 1 of 1,548,664 alleles (0.000065%); highest among the groups gnomAD compares: Non-Finnish European, 0.000087%; no homozygotes.

Submission:

Ambry Genetics
Classification: Uncertain significance for Cardiovascular phenotype. Last evaluated: 2023-05-15. Review status: criteria provided, single submitter. Criteria: Ambry Variant Classification Scheme 2023. Collection method: clinical testing. Allele origin: germline.
Comment: The p.L302V variant (also known as c.904C>G), located in coding exon 1 of the ZNF469 gene, results from a C to G substitution at nucleotide position 904. The leucine at codon 302 is replaced by valine, an amino acid with highly similar properties. This amino acid position is conserved. In addition, this alteration is predicted to be tolerated by in silico analysis. Since supporting evidence is limited at this time, the clinical significance of this alteration remains unclear.

NM_001367624.2(ZNF469):c.904C>G (p.Leu302Val)

Gene: ZNF469 (zinc finger protein 469; plus strand). Cytogenetic location: 16q24.2.
Variant type: single nucleotide variant.
Coding change: c.904C>G on transcript NM_001367624.2 (MANE Select); coding-DNA position 904, C replaced by G.
Protein change: p.Leu302Val; replaces leucine 302 with valine.
Molecular consequence: missense variant.
Genome position (GRCh38, 1-based): chr16:88,428,374, C>G. VCF-style: chr16-88428374-C-G. GRCh37 (hg19) VCF-style: chr16-88494782-C-G.
Other names: NM_001127464.1:c.904C>G; short protein forms L302V.
Identifiers: ClinVar variation 2564251 (VCV002564251.2), dbSNP rs1423135103, ClinGen allele CA397062203.